The following is an entry in ClinVar:

ClinVar aggregate classification (germline): Likely pathogenic (1 of 4 stars; one submission).

Conditions:
Frontometaphyseal dysplasia (FMD1). Identifiers: Orphanet 1826, MedGen C0265293, MONDO:0015942.
Oto-palato-digital syndrome, type II (OPD2). Also called: FACIOPALATOOSSEOUS SYNDROME; Otopalatodigital Syndrome, Type II; Otopalatodigital Syndrome Type 2 (FLNA-OPD2); OPD II SYNDROME. Identifiers: Orphanet 669, Orphanet 90652, MedGen C1844696, MONDO:0010571, OMIM 304120.
Heterotopia, periventricular, X-linked dominant (PVNH1). Also called: PERIVENTRICULAR NODULAR HETEROTOPIA 4; HETEROTOPIA, PERIVENTRICULAR, 1; PERIVENTRICULAR NODULAR HETEROTOPIA 1; X-linked periventricular heterotopia. Identifiers: Orphanet 2149, Orphanet 82004, MedGen C1848213, MONDO:0010233, OMIM 300049.
Melnick-Needles syndrome (MNS). Also called: Melnick-Needles Syndrome (FLNA-MNS); MELNICK-NEEDLES OSTEODYSPLASTY; OSTEODYSPLASTY OF MELNICK AND NEEDLES. Identifiers: Orphanet 2484, MedGen C0025237, MONDO:0010650, OMIM 309350.

Submission:

Labcorp Genetics (formerly Invitae), Labcorp
Classification: Likely pathogenic for Oto-palato-digital syndrome, type II; Heterotopia, periventricular, X-linked dominant; Frontometaphyseal dysplasia; Melnick-Needles syndrome. Last evaluated: 2018-10-08. Review status: criteria provided, single submitter. Criteria: Invitae Variant Classification Sherloc (09022015). Collection method: clinical testing. Allele origin: germline.
Comment: Donor and acceptor splice site variants typically lead to a loss of protein function (PMID: 16199547), and loss-of-function variants in FLNA are known to be pathogenic (PMID: 16684786, 20730588, 26471271). Algorithms developed to predict the effect of sequence changes on RNA splicing suggest that this variant may disrupt the consensus splice site, but this prediction has not been confirmed by published transcriptional studies. This variant has not been reported in the literature in individuals with FLNA-related disease. This variant is not present in population databases (ExAC no frequency). This sequence change affects a donor splice site in intron 24 of the FLNA gene. It is expected to disrupt RNA splicing and likely results in an absent or disrupted protein product. In summary, the currently available evidence indicates that the variant is pathogenic, but additional data are needed to prove that conclusively. Therefore, this variant has been classified as Likely Pathogenic.

Literature cited by the submitters: PubMed 16199547; PubMed 16684786; PubMed 20730588; PubMed 26471271.

NM_001110556.2(FLNA):c.4142+1G>A

Gene: FLNA (filamin A; minus strand). Cytogenetic location: Xq28.
Variant type: single nucleotide variant.
Coding change: c.4142+1G>A on transcript NM_001110556.2 (MANE Select); the canonical splice donor site of the intron after coding-DNA position 4142, G replaced by A.
Molecular consequence: splice donor variant.
Genome position (GRCh38, 1-based): chrX:154,359,483, C>T on the plus strand (G>A on the coding strand, the complement: FLNA is on the minus strand). VCF-style: chrX-154359483-C-T. GRCh37 (hg19) VCF-style: chrX-153587851-C-T.
Other names: c.4142+1G>A (NM_001456.4).
Identifiers: ClinVar variation 662049 (VCV000662049.8), dbSNP rs1603360906, ClinGen allele CA415219190.